The following is an entry in ClinVar:

NM_000038.6(APC):c.5256A>G (p.Gln1752=)

Gene: APC (APC regulator of Wnt signaling pathway; plus strand). Cytogenetic location: 5q22.2.
Variant type: single nucleotide variant.
Coding change: c.5256A>G on transcript NM_000038.6 (MANE Select); coding-DNA position 5256, A replaced by G.
Protein change: p.Gln1752=; no amino-acid change (glutamine 1752 retained).
Molecular consequence: synonymous variant. On other transcripts: non-coding transcript variant (2).
Genome position (GRCh38, 1-based): chr5:112,840,850, A>G. VCF-style: chr5-112840850-A-G. GRCh37 (hg19) VCF-style: chr5-112176547-A-G.
Other names: c.5256A>G, p.Gln1752= (NM_001127510.3, NM_001354895.2, NM_001407450.1); c.5202A>G, p.Gln1734= (NM_001127511.3); c.5310A>G, p.Gln1770= (NM_001354896.2, NM_001407447.1, NM_001407448.1 and 1 more transcripts); c.5286A>G, p.Gln1762= (NM_001354897.2); c.5181A>G, p.Gln1727= (NM_001354898.2); c.5172A>G, p.Gln1724= (NM_001354899.2); c.5133A>G, p.Gln1711= (NM_001354900.2); c.5079A>G, p.Gln1693= (NM_001354901.2, NM_001407453.1); and 11 more.
Identifiers: ClinVar variation 3254515 (VCV003254515.1), dbSNP rs2149935871.

ClinVar aggregate classification (germline): Benign (1 of 4 stars; one submission).

Conditions:
Familial adenomatous polyposis 1 (FAP1). Also called: FAMILIAL ADENOMATOUS POLYPOSIS 1, ATTENUATED; POLYPOSIS, ADENOMATOUS INTESTINAL. Identifiers: MedGen C2713442, MONDO:0021056, OMIM 175100. Disease mechanism: loss of function.

Submission:

Myriad Genetics, Inc.
Classification: Benign for Familial adenomatous polyposis 1. Last evaluated: 2024-04-01. Review status: criteria provided, single submitter. Criteria: Myriad Autosomal Dominant, Autosomal Recessive and X-Linked Classification Criteria (2023). Collection method: clinical testing. Allele origin: unknown.
Comment: This variant is considered benign. This variant is a silent/synonymous amino acid change and it is not expected to impact splicing.